The following is an entry in ClinVar:

NM_007373.4(SHOC2):c.134C>G (p.Thr45Ser)

Gene: SHOC2 (SHOC2 leucine rich repeat scaffold protein; plus strand). Cytogenetic location: 10q25.2.
Variant type: single nucleotide variant.
Coding change: c.134C>G on transcript NM_007373.4 (MANE Select); coding-DNA position 134, C replaced by G.
Protein change: p.Thr45Ser; replaces threonine 45 with serine.
Molecular consequence: missense variant.
Genome position (GRCh38, 1-based): chr10:110,964,492, C>G. VCF-style: chr10-110964492-C-G. GRCh37 (hg19) VCF-style: chr10-112724250-C-G.
Other names: c.134C>G, p.Thr45Ser (NM_001269039.3, NM_001324336.2, NM_001324337.2); short protein forms T45S.
Identifiers: ClinVar variation 2014740 (VCV002014740.4), dbSNP rs2493838402, ClinGen allele CA378381718.
Genomic context (GRCh38, chr10:110,964,492, plus strand): 5'-AAAAGGAGGCAAAAGCCTCTGGAGGTTTTGGGAAAGAGAGCAAAGAAAAAGAACCTAAGA[C>G]CAAAGGGAAAGATGCCAAAGATGGAAAGAAGGACTCCAGTGCTGCCCAACCAGGGGTGGC-3'
Protein context (NP_031399.2, residues 35-55): GKESKEKEPK[Thr45Ser]KGKDAKDGKK

ClinVar aggregate classification (germline): Uncertain significance (1 of 4 stars; one submission).

Conditions:
RASopathy. Also called: rasopathies; Noonan spectrum disorder. Identifiers: Orphanet 536391, MedGen C5555857, MONDO:0021060.

Submission:

Labcorp Genetics (formerly Invitae), Labcorp
Classification: Uncertain significance for RASopathy. Last evaluated: 2024-10-28. Review status: criteria provided, single submitter. Criteria: Invitae Variant Classification Sherloc (09022015). Collection method: clinical testing. Allele origin: germline.
Comment: This sequence change replaces threonine, which is neutral and polar, with serine, which is neutral and polar, at codon 45 of the SHOC2 protein (p.Thr45Ser). This variant is not present in population databases (gnomAD no frequency). This variant has not been reported in the literature in individuals affected with SHOC2-related conditions. ClinVar contains an entry for this variant (Variation ID: 2014740). Invitae Evidence Modeling of protein sequence and biophysical properties (such as structural, functional, and spatial information, amino acid conservation, physicochemical variation, residue mobility, and thermodynamic stability) indicates that this missense variant is not expected to disrupt SHOC2 protein function with a negative predictive value of 80%. In summary, the available evidence is currently insufficient to determine the role of this variant in disease. Therefore, it has been classified as a Variant of Uncertain Significance.